The following is an entry in ClinVar:

ClinVar aggregate classification (germline): Uncertain significance (1 of 4 stars; one submission).

Conditions:
Acrocallosal syndrome (ACLS). Also called: HALLUX DUPLICATION, POSTAXIAL POLYDACTYLY, AND ABSENCE OF CORPUS CALLOSUM; Schinzel syndrome 1; Absence of corpus callosum with unusual facial appearance, mental deficiency, duplication of the halluces and polydactyly. Identifiers: Orphanet 36, MedGen C0796147, MONDO:0008708, OMIM 200990.

Allele frequency attached by ClinVar (database versions not stated): gnomAD 0.00002; ExAC 0.00003; gnomAD exomes 0.00003; TOPMed 0.00003; ESP Exome Variant Server 0.00008.
gnomAD v4.1: 49 of 1,612,870 alleles (0.003%); highest among the groups gnomAD compares: East Asian, 0.0067%; no homozygotes.

Submission:

Labcorp Genetics (formerly Invitae), Labcorp
Classification: Uncertain significance for Acrocallosal syndrome. Last evaluated: 2025-03-17. Review status: criteria provided, single submitter. Criteria: Invitae Variant Classification Sherloc (09022015). Collection method: clinical testing. Allele origin: germline.
Comment: This sequence change replaces glutamic acid, which is acidic and polar, with lysine, which is basic and polar, at codon 1247 of the KIF7 protein (p.Glu1247Lys). This variant is present in population databases (rs149883801, gnomAD 0.005%). This variant has not been reported in the literature in individuals affected with KIF7-related conditions. ClinVar contains an entry for this variant (Variation ID: 1971866). Invitae Evidence Modeling of protein sequence and biophysical properties (such as structural, functional, and spatial information, amino acid conservation, physicochemical variation, residue mobility, and thermodynamic stability) indicates that this missense variant is not expected to disrupt KIF7 protein function with a negative predictive value of 80%. In summary, the available evidence is currently insufficient to determine the role of this variant in disease. Therefore, it has been classified as a Variant of Uncertain Significance.

NM_198525.3(KIF7):c.3739G>A (p.Glu1247Lys)

Gene: KIF7 (kinesin family member 7; minus strand). Cytogenetic location: 15q26.1.
Variant type: single nucleotide variant.
Coding change: c.3739G>A on transcript NM_198525.3 (MANE Select); coding-DNA position 3739, G replaced by A.
Protein change: p.Glu1247Lys; replaces glutamic acid 1247 with lysine.
Molecular consequence: missense variant.
Genome position (GRCh38, 1-based): chr15:89,628,712, C>T on the plus strand (G>A on the coding strand, the complement: KIF7 is on the minus strand). VCF-style: chr15-89628712-C-T. GRCh37 (hg19) VCF-style: chr15-90171943-C-T.
Other names: short protein forms E1247K.
Identifiers: ClinVar variation 1971866 (VCV001971866.3), dbSNP rs149883801, ClinGen allele CA7727557.